The following is an entry in ClinVar:

NM_001008537.3(NEXMIF):c.3514G>C (p.Val1172Leu)

Gene: NEXMIF (neurite extension and migration factor; minus strand). Cytogenetic location: Xq13.3.
Variant type: single nucleotide variant.
Coding change: c.3514G>C on transcript NM_001008537.3 (MANE Select); coding-DNA position 3514, G replaced by C.
Protein change: p.Val1172Leu; replaces valine 1172 with leucine.
Molecular consequence: missense variant.
Genome position (GRCh38, 1-based): chrX:74,741,043, C>G on the plus strand (G>C on the coding strand, the complement: NEXMIF is on the minus strand). VCF-style: chrX-74741043-C-G. GRCh37 (hg19) VCF-style: chrX-73960878-C-G.
Other names: short protein forms V1172L.
Identifiers: ClinVar variation 3014499 (VCV003014499.3), dbSNP rs2519912095, ClinGen allele CA413665615.

ClinVar aggregate classification (germline): Uncertain significance (1 of 4 stars; one submission).

Submission:

Labcorp Genetics (formerly Invitae), Labcorp
Classification: Uncertain significance. Last evaluated: 2025-07-31. Review status: criteria provided, single submitter. Criteria: Invitae Variant Classification Sherloc (09022015). Collection method: clinical testing. Allele origin: germline.
Comment: This sequence change replaces valine, which is neutral and non-polar, with leucine, which is neutral and non-polar, at codon 1172 of the NEXMIF protein (p.Val1172Leu). This variant is not present in population databases (gnomAD no frequency). This variant has not been reported in the literature in individuals affected with NEXMIF-related conditions. ClinVar contains an entry for this variant (Variation ID: 3014499). An algorithm developed to predict the effect of missense changes on protein structure and function (PolyPhen-2) suggests that this variant is likely to be tolerated. In summary, the available evidence is currently insufficient to determine the role of this variant in disease. Therefore, it has been classified as a Variant of Uncertain Significance.